The following is an entry in ClinVar:

ClinVar aggregate classification (germline): Uncertain significance (1 of 4 stars; one submission).

Submission:

Labcorp Genetics (formerly Invitae), Labcorp
Classification: Uncertain significance. Last evaluated: 2022-07-25. Review status: criteria provided, single submitter. Criteria: Invitae Variant Classification Sherloc (09022015). Collection method: clinical testing. Allele origin: germline.
Comment: In summary, the available evidence is currently insufficient to determine the role of this variant in disease. Therefore, it has been classified as a Variant of Uncertain Significance. Algorithms developed to predict the effect of sequence changes on RNA splicing suggest that this variant may disrupt the consensus splice site. Advanced modeling of protein sequence and biophysical properties (such as structural, functional, and spatial information, amino acid conservation, physicochemical variation, residue mobility, and thermodynamic stability) performed at Invitae indicates that this missense variant is expected to disrupt FBXL4 protein function. This variant has not been reported in the literature in individuals affected with FBXL4-related conditions. This variant is not present in population databases (gnomAD no frequency). This sequence change replaces phenylalanine, which is neutral and non-polar, with leucine, which is neutral and non-polar, at codon 539 of the FBXL4 protein (p.Phe539Leu).

NM_001278716.2(FBXL4):c.1615T>C (p.Phe539Leu)

Gene: FBXL4 (F-box and leucine rich repeat protein 4; minus strand). Cytogenetic location: 6q16.1.
Variant type: single nucleotide variant.
Coding change: c.1615T>C on transcript NM_001278716.2 (MANE Select); coding-DNA position 1615, T replaced by C.
Protein change: p.Phe539Leu; replaces phenylalanine 539 with leucine.
Molecular consequence: missense variant. On other transcripts: non-coding transcript variant (1).
Genome position (GRCh38, 1-based): chr6:98,875,502, A>G on the plus strand (T>C on the coding strand, the complement: FBXL4 is on the minus strand). VCF-style: chr6-98875502-A-G. GRCh37 (hg19) VCF-style: chr6-99323378-A-G.
Other names: c.1615T>C, p.Phe539Leu (NM_012160.5); short protein forms F539L.
Identifiers: ClinVar variation 1972982 (VCV001972982.5), dbSNP rs2534897714, ClinGen allele CA365086669.